The following is an entry in ClinVar:

NM_153460.4(IL17RC):c.234C>T (p.Thr78=)

Gene: IL17RC (interleukin 17 receptor C; plus strand). Cytogenetic location: 3p25.3.
Variant type: single nucleotide variant.
Coding change: c.234C>T on transcript NM_153460.4 (MANE Select); coding-DNA position 234, C replaced by T.
Protein change: p.Thr78=; no amino-acid change (threonine 78 retained).
Molecular consequence: synonymous variant. On other transcripts: non-coding transcript variant (1).
Genome position (GRCh38, 1-based): chr3:9,918,029, C>T. VCF-style: chr3-9918029-C-T. GRCh37 (hg19) VCF-style: chr3-9959713-C-T.
Other names: p.Thr149=; c.234C>T, p.Thr78= (NM_001203263.2, NM_001203264.2, NM_001203265.2 and 4 more transcripts); c.447C>T, p.Thr149= (NM_153461.4).
Identifiers: ClinVar variation 1167928 (VCV001167928.11), dbSNP rs4686383, ClinGen allele CA2246774.

ClinVar aggregate classification (germline): Benign. Review status: criteria provided, multiple submitters, no conflicts (2 of 4 stars). 4 submissions from 4 submitters: Benign (4). Last evaluated 2026-02-03.

Conditions:
Candidiasis, familial, 9 (CANDF9). Identifiers: Orphanet 1334, MedGen C4225324, MONDO:0014642, OMIM 616445.

Allele frequency attached by ClinVar (database versions not stated): 1000 Genomes Project 30x 0.07480; 1000 Genomes Project 0.07628; TOPMed 0.12970; gnomAD exomes 0.15210 and 0.18974; gnomAD 0.14239 and 0.14537; ESP Exome Variant Server 0.15311; ExAC 0.19450.
gnomAD v4.1: 296,481 of 1,608,552 alleles (18%); highest among the groups gnomAD compares: Non-Finnish European, 21%; 30,020 homozygotes.

Submissions (4):

Labcorp Genetics (formerly Invitae), Labcorp
Classification: Benign for Candidiasis, familial, 9. Last evaluated: 2026-02-03. Review status: criteria provided, single submitter. Criteria: Invitae Variant Classification Sherloc (09022015). Collection method: clinical testing. Allele origin: germline.

Unidad de Genómica Garrahan, Hospital de Pediatría Garrahan
Classification: Benign. Last evaluated: 2024-01-24. Review status: criteria provided, single submitter. Criteria: ACMG Guidelines, 2015. Collection method: clinical testing. Allele origin: germline. Affected: no. Observed: 29 variant alleles.
Comment: This variant is classified as Benign based on local population frequency. This variant was detected in 31% of patients studied by a panel of primary immunodeficiencies. Number of patients: 29. Only high quality variants are reported.

Mayo Clinic Laboratories, Mayo Clinic
Classification: Benign. Last evaluated: 2022-09-06. Review status: criteria provided, single submitter. Criteria: ACMG Guidelines, 2015. Collection method: clinical testing. Allele origin: germline. Observed: 32 variant alleles.

Breakthrough Genomics
Classification: Benign. Review status: criteria provided, single submitter. Criteria: ACMG Guidelines, 2015. Collection method: not provided. Allele origin: germline. Inheritance: Autosomal recessive inheritance. Affected: yes.